The following is an entry in ClinVar:

ClinVar aggregate classification (germline): Uncertain significance (1 of 4 stars; one submission).

Submission:

Labcorp Genetics (formerly Invitae), Labcorp
Classification: Uncertain significance. Last evaluated: 2022-03-01. Review status: criteria provided, single submitter. Criteria: Invitae Variant Classification Sherloc (09022015). Collection method: clinical testing. Allele origin: germline.
Comment: This variant has not been reported in the literature in individuals affected with MTHFS-related conditions. This variant is not present in population databases (gnomAD no frequency). This sequence change replaces threonine, which is neutral and polar, with isoleucine, which is neutral and non-polar, at codon 202 of the MTHFS protein (p.Thr202Ile). In summary, the available evidence is currently insufficient to determine the role of this variant in disease. Therefore, it has been classified as a Variant of Uncertain Significance. Algorithms developed to predict the effect of missense changes on protein structure and function (SIFT, PolyPhen-2, Align-GVGD) all suggest that this variant is likely to be tolerated.

NM_006441.4(MTHFS):c.605C>T (p.Thr202Ile)

Genes: MTHFS (methenyltetrahydrofolate synthetase; minus strand), ST20-MTHFS (ST20-MTHFS readthrough; minus strand). Cytogenetic location: 15q25.1.
Variant type: single nucleotide variant.
Coding change: c.605C>T on transcript NM_006441.4 (MANE Select); coding-DNA position 605, C replaced by T.
Protein change: p.Thr202Ile; replaces threonine 202 with isoleucine.
Molecular consequence: missense variant. On other transcripts: non-coding transcript variant (1).
Genome position (GRCh38, 1-based): chr15:79,845,217, G>A on the plus strand (C>T on the coding strand, the complement: MTHFS is on the minus strand). VCF-style: chr15-79845217-G-A. GRCh37 (hg19) VCF-style: chr15-80137559-G-A.
Other names: c.533C>T, p.Thr178Ile (NM_001199760.2); c.434C>T, p.Thr145Ile (NM_001199758.1); short protein forms T202I, T145I, T178I.
Identifiers: ClinVar variation 2105480 (VCV002105480.4), dbSNP rs2505112934, ClinGen allele CA393651378.